The following is an entry in ClinVar:

ClinVar aggregate classification (germline): Likely benign. Review status: criteria provided, multiple submitters, no conflicts (2 of 4 stars). 2 submissions from 2 submitters: Likely benign (2). Last evaluated 2024-04-10.

gnomAD v4.1: 18 of 1,614,174 alleles (0.0011%); highest among the groups gnomAD compares: Admixed American, 0.0017%; no homozygotes.

Submissions (2):

Labcorp Genetics (formerly Invitae), Labcorp
Classification: Likely benign. Last evaluated: 2024-04-10. Review status: criteria provided, single submitter. Criteria: Invitae Variant Classification Sherloc (09022015). Collection method: clinical testing. Allele origin: germline.

CeGaT Center for Human Genetics Tuebingen
Classification: Likely benign. Last evaluated: 2022-03-01. Review status: criteria provided, single submitter. Criteria: CeGaT Center For Human Genetics Tuebingen Variant Classification Criteria Version 2. Collection method: clinical testing. Allele origin: germline. Affected: yes. Observed: 1 variant allele.
Comment: TRRAP: BP4, BP7

NM_001375524.1(TRRAP):c.5778C>T (p.Ile1926=)

Gene: TRRAP (transformation/transcription domain associated protein; plus strand). Cytogenetic location: 7q22.1.
Variant type: single nucleotide variant.
Coding change: c.5778C>T on transcript NM_001375524.1 (MANE Select); coding-DNA position 5778, C replaced by T.
Protein change: p.Ile1926=; no amino-acid change (isoleucine 1926 retained).
Molecular consequence: synonymous variant.
Genome position (GRCh38, 1-based): chr7:98,955,145, C>T. VCF-style: chr7-98955145-C-T. GRCh37 (hg19) VCF-style: chr7-98552768-C-T.
Other names: c.5757C>T, p.Ile1919= (NM_001244580.2); c.5703C>T, p.Ile1901= (NM_003496.4).
Identifiers: ClinVar variation 1950537 (VCV001950537.29), dbSNP rs782296052, ClinGen allele CA4360659.